The following is an entry in ClinVar:

ClinVar aggregate classification (germline): Benign/Likely benign. Review status: criteria provided, multiple submitters, no conflicts (2 of 4 stars). 8 submissions from 8 submitters: Benign (5); Likely benign (3). Last evaluated 2026-09-01.

Conditions:
Cardiovascular phenotype. Identifiers: MedGen CN230736.
Myofibrillar myopathy 5. Also called: Filaminopathy (type); FILAMINOPATHY, AUTOSOMAL DOMINANT. Identifiers: Orphanet 171445, MedGen C1836050, MONDO:0012289, OMIM 609524.
Hypertrophic cardiomyopathy 26. Also called: Cardiomyopathy, familial hypertrophic, 26. Identifiers: Orphanet 75249, MedGen C4310749, MONDO:0014883, OMIM 617047.
Distal myopathy with posterior leg and anterior hand involvement. Also called: WILLIAMS DISTAL MYOPATHY. Identifiers: Orphanet 63273, MedGen C3279722, MONDO:0013550, OMIM 614065.
Cardiomyopathy (CMYO). Also called: Cardiomyopathies. Identifiers: Orphanet 167848, MedGen C0878544, MONDO:0004994, HP:0001638. Inheritance: Various modes of inheritance.

Allele frequency attached by ClinVar (database versions not stated): gnomAD exomes 0.00046; ExAC 0.00065; gnomAD 0.00163 and 0.00165; TOPMed 0.00175; ESP Exome Variant Server 0.00182; 1000 Genomes Project 30x 0.00281; 1000 Genomes Project 0.00300.
gnomAD v4.1: 920 of 1,593,874 alleles (0.058%); highest among the groups gnomAD compares: African/African-American, 0.47%; 1 homozygote.

Submissions (8):

CeGaT Center for Human Genetics Tuebingen
Classification: Likely benign. Last evaluated: 2026-09-01. Review status: criteria provided, single submitter. Criteria: CeGaT Center For Human Genetics Tuebingen Variant Classification Criteria Version 2. Collection method: clinical testing. Allele origin: germline. Affected: yes. Observed: 4 variant alleles.
Comment: FLNC: BP4, BP7, BS1

Labcorp Genetics (formerly Invitae), Labcorp
Classification: Benign for Distal myopathy with posterior leg and anterior hand involvement; Myofibrillar myopathy 5; Hypertrophic cardiomyopathy 26. Last evaluated: 2026-02-03. Review status: criteria provided, single submitter. Criteria: Invitae Variant Classification Sherloc (09022015). Collection method: clinical testing. Allele origin: germline.

Mayo Clinic Laboratories, Mayo Clinic
Classification: Likely benign. Last evaluated: 2025-06-13. Review status: criteria provided, single submitter. Criteria: ACMG Guidelines, 2015. Collection method: clinical testing. Allele origin: germline. Observed: 3 variant alleles.
Comment: BS1, BP4

Blueprint Genetics
Classification: Likely benign. Last evaluated: 2024-10-02. Review status: criteria provided, single submitter. Criteria: ACMG Guidelines, 2015. Collection method: clinical testing. Allele origin: germline.

Women's Health and Genetics/Laboratory Corporation of America, LabCorp
Classification: Benign. Last evaluated: 2023-10-09. Review status: criteria provided, single submitter. Criteria: LabCorp Variant Classification Summary - May 2015. Collection method: clinical testing. Allele origin: germline.

CHEO Genetics Diagnostic Laboratory, Children's Hospital of Eastern Ontario
Classification: Benign for Cardiomyopathy. Last evaluated: 2023-04-24. Review status: criteria provided, single submitter. Criteria: ACMG Guidelines, 2015. Collection method: clinical testing. Allele origin: germline.

Ambry Genetics
Classification: Benign for Cardiovascular phenotype. Last evaluated: 2019-03-26. Review status: criteria provided, single submitter. Criteria: Ambry Variant Classification Scheme 2023. Collection method: clinical testing. Allele origin: germline.

GeneDx
Classification: Benign. Last evaluated: 2016-07-27. Review status: criteria provided, single submitter. Criteria: GeneDx Variant Classification (06012015). Collection method: clinical testing. Allele origin: germline. Affected: yes.
Comment: This variant is considered likely benign or benign based on one or more of the following criteria: it is a conservative change, it occurs at a poorly conserved position in the protein, it is predicted to be benign by multiple in silico algorithms, and/or has population frequency not consistent with disease.

NM_001458.5(FLNC):c.8049C>T (p.Tyr2683=)

Genes: FLNC (filamin C; plus strand), FLNC-AS1 (FLNC antisense RNA 1; minus strand). Cytogenetic location: 7q32.1.
Variant type: single nucleotide variant.
Coding change: c.8049C>T on transcript NM_001458.5 (MANE Select); coding-DNA position 8049, C replaced by T.
Protein change: p.Tyr2683=; no amino-acid change (tyrosine 2683 retained).
Molecular consequence: synonymous variant.
Genome position (GRCh38, 1-based): chr7:128,858,394, C>T. VCF-style: chr7-128858394-C-T. GRCh37 (hg19) VCF-style: chr7-128498448-C-T.
Other names: p.Tyr2683=; c.7950C>T, p.Tyr2650= (NM_001127487.2).
Identifiers: ClinVar variation 384610 (VCV000384610.46), dbSNP rs183104951, ClinGen allele CA4476417.